The following is an entry in ClinVar:

NM_006218.4(PIK3CA):c.1997T>G (p.Phe666Cys)

Gene: PIK3CA (phosphatidylinositol-4,5-bisphosphate 3-kinase catalytic subunit alpha; plus strand). Cytogenetic location: 3q26.32.
Variant type: single nucleotide variant.
Coding change: c.1997T>G on transcript NM_006218.4 (MANE Select); coding-DNA position 1997, T replaced by G.
Protein change: p.Phe666Cys; replaces phenylalanine 666 with cysteine.
Molecular consequence: missense variant.
Genome position (GRCh38, 1-based): chr3:179,220,034, T>G. VCF-style: chr3-179220034-T-G. GRCh37 (hg19) VCF-style: chr3-178937822-T-G.
Other names: short protein forms F666C.
Identifiers: ClinVar variation 3031392 (VCV003031392.2), dbSNP rs2473528954, ClinGen allele CA355267421.

ClinVar aggregate classification (germline): Uncertain significance (0 of 4 stars; one submission).

Conditions:
PIK3CA-related disorder. Also called: PIK3CA-related condition; PIK3CA-related disorders; PIK3CA- related disease.

Submission:

PreventionGenetics, part of Exact Sciences
Classification: Uncertain significance for PIK3CA-related condition. Last evaluated: 2024-01-12. Review status: no assertion criteria provided. Collection method: clinical testing. Allele origin: germline.
Comment: The PIK3CA c.1997T>G variant is predicted to result in the amino acid substitution p.Phe666Cys. To our knowledge, this variant has not been reported in the literature or in a large population database, indicating this variant is rare. At this time, the clinical significance of this variant is uncertain due to the absence of conclusive functional and genetic evidence.